The following is an entry in ClinVar:

NM_002016.2(FLG):c.7835A>G (p.Asp2612Gly)

Genes: CCDST (cervical cancer associated DHX9 suppressive transcript; plus strand), FLG (filaggrin; minus strand). Cytogenetic location: 1q21.3.
Variant type: single nucleotide variant.
Coding change: c.7835A>G on transcript NM_002016.2 (MANE Select); coding-DNA position 7835, A replaced by G.
Protein change: p.Asp2612Gly; replaces aspartic acid 2612 with glycine.
Molecular consequence: missense variant.
Genome position (GRCh38, 1-based): chr1:152,307,051, T>C on the plus strand (A>G on the coding strand, the complement: FLG is on the minus strand). VCF-style: chr1-152307051-T-C. GRCh37 (hg19) VCF-style: chr1-152279527-T-C.
Other names: short protein forms D2612G.
Identifiers: ClinVar variation 2366710 (VCV002366710.6), dbSNP rs200423945, ClinGen allele CA1104508.
Genomic context (GRCh38, chr1:152,307,051, plus strand): 5'-TGTGTGTGACGAGTGCCTGATTGTCTGGAGCTGTCTGCAGAGTGCCCATGACCAGCTCTG[T>C]CTTCTTGATGGGACCTGGGGTGTCTGGAGCCATCTCTTAGCTGCTCCTGAGCAGATCCAT-3'
Protein context (NP_002007.1, residues 2602-2622): GSRHPRSHQE[Asp2612Gly]RAGHGHSADS

ClinVar aggregate classification (germline): Conflicting classifications of pathogenicity. Review status: criteria provided, conflicting classifications (1 of 4 stars). 2 submissions from 2 submitters: Uncertain significance (1); Likely benign (1). Last evaluated 2026-04-01.

Conditions:
Inborn genetic diseases. Identifiers: MedGen C0950123, MeSH D030342.

Allele frequency attached by ClinVar (database versions not stated): ExAC 0.00037; gnomAD 0.00045.

Submissions (2):

CeGaT Center for Human Genetics Tuebingen
Classification: Likely benign. Last evaluated: 2026-04-01. Review status: criteria provided, single submitter. Criteria: CeGaT Center For Human Genetics Tuebingen Variant Classification Criteria Version 2. Collection method: clinical testing. Allele origin: germline. Affected: yes. Observed: 1 variant allele.
Comment: FLG: BP4

Ambry Genetics
Classification: Uncertain significance for Inborn genetic diseases. Last evaluated: 2021-06-22. Review status: criteria provided, single submitter. Criteria: Ambry Variant Classification Scheme 2023. Collection method: clinical testing. Allele origin: germline.